The following is an entry in ClinVar:

ClinVar aggregate classification (germline): Uncertain significance (1 of 4 stars; one submission).

Submission:

Labcorp Genetics (formerly Invitae), Labcorp
Classification: Uncertain significance. Last evaluated: 2024-06-23. Review status: criteria provided, single submitter. Criteria: Invitae Variant Classification Sherloc (09022015). Collection method: clinical testing. Allele origin: germline.
Comment: This sequence change replaces arginine, which is basic and polar, with lysine, which is basic and polar, at codon 707 of the CLCN7 protein (p.Arg707Lys). This variant is not present in population databases (gnomAD no frequency). This variant has not been reported in the literature in individuals affected with CLCN7-related conditions. ClinVar contains an entry for this variant (Variation ID: 1909571). Algorithms developed to predict the effect of missense changes on protein structure and function output the following: SIFT: "Not Available"; PolyPhen-2: "Benign"; Align-GVGD: "Not Available". The lysine amino acid residue is found in multiple mammalian species, which suggests that this missense change does not adversely affect protein function. In summary, the available evidence is currently insufficient to determine the role of this variant in disease. Therefore, it has been classified as a Variant of Uncertain Significance.

NM_001287.6(CLCN7):c.2120G>A (p.Arg707Lys)

Gene: CLCN7 (chloride voltage-gated channel 7; minus strand). Cytogenetic location: 16p13.3.
Variant type: single nucleotide variant.
Coding change: c.2120G>A on transcript NM_001287.6 (MANE Select); coding-DNA position 2120, G replaced by A.
Protein change: p.Arg707Lys; replaces arginine 707 with lysine.
Molecular consequence: missense variant.
Genome position (GRCh38, 1-based): chr16:1,447,522, C>T on the plus strand (G>A on the coding strand, the complement: CLCN7 is on the minus strand). VCF-style: chr16-1447522-C-T. GRCh37 (hg19) VCF-style: chr16-1497523-C-T.
Other names: c.2048G>A, p.Arg683Lys (NM_001114331.3); short protein forms R707K, R683K.
Identifiers: ClinVar variation 1909571 (VCV001909571.5), dbSNP rs2505812604, ClinGen allele CA394185737.
Genomic context (GRCh38, chr16:1,447,522, plus strand): 5'-GACACGTGGATGGACTGGATGGGTGGGAAGCGCGGGTAGGCGTCTCGGAAGTCCTTCAGC[C>T]TCAGGCGCCGCTGTACCAGGCCCAGGTTGGACCGCTCCACAAACACCTGCGGGCGGCAGA-3'
Protein context (NP_001278.1, residues 697-717): SNLGLVQRRL[Arg707Lys]LKDFRDAYPR